The following is an entry in ClinVar:

ClinVar aggregate classification (germline): Uncertain significance (1 of 4 stars; one submission).

Conditions:
KBG syndrome (KBGS). Also called: ANKRD11-Related KBG Syndrome. Identifiers: Orphanet 2332, MedGen C0220687, MONDO:0007846, OMIM 148050.

Submission:

Labcorp Genetics (formerly Invitae), Labcorp
Classification: Uncertain significance for KBG syndrome. Last evaluated: 2023-03-20. Review status: criteria provided, single submitter. Criteria: Invitae Variant Classification Sherloc (09022015). Collection method: clinical testing. Allele origin: germline.
Comment: In summary, the available evidence is currently insufficient to determine the role of this variant in disease. Therefore, it has been classified as a Variant of Uncertain Significance. Advanced modeling of protein sequence and biophysical properties (such as structural, functional, and spatial information, amino acid conservation, physicochemical variation, residue mobility, and thermodynamic stability) performed at Invitae indicates that this missense variant is not expected to disrupt ANKRD11 protein function. This variant has not been reported in the literature in individuals affected with ANKRD11-related conditions. This variant is not present in population databases (gnomAD no frequency). This sequence change replaces glycine, which is neutral and non-polar, with valine, which is neutral and non-polar, at codon 2351 of the ANKRD11 protein (p.Gly2351Val).

NM_013275.6(ANKRD11):c.7052G>T (p.Gly2351Val)

Gene: ANKRD11 (ankyrin repeat domain 11; minus strand). Cytogenetic location: 16q24.3.
Variant type: single nucleotide variant.
Coding change: c.7052G>T on transcript NM_013275.6 (MANE Select); coding-DNA position 7052, G replaced by T.
Protein change: p.Gly2351Val; replaces glycine 2351 with valine.
Molecular consequence: missense variant.
Genome position (GRCh38, 1-based): chr16:89,279,490, C>A on the plus strand (G>T on the coding strand, the complement: ANKRD11 is on the minus strand). VCF-style: chr16-89279490-C-A. GRCh37 (hg19) VCF-style: chr16-89345898-C-A.
Other names: c.7052G>T, p.Gly2351Val (NM_001256182.2, NM_001256183.2); short protein forms G2351V.
Identifiers: ClinVar variation 2867554 (VCV002867554.3), dbSNP rs1567553515, ClinGen allele CA397149427.